The following is an entry in ClinVar:

NM_000512.5(GALNS):c.112A>T (p.Met38Leu)

Genes: GALNS (galactosamine (N-acetyl)-6-sulfatase; minus strand), TRAPPC2L (trafficking protein particle complex subunit 2L; plus strand), LOC130059762 (ATAC-STARR-seq lymphoblastoid silent region 7883; plus strand). Cytogenetic location: 16q24.3.
Variant type: single nucleotide variant.
Coding change: c.112A>T on transcript NM_000512.5 (MANE Select); coding-DNA position 112, A replaced by T.
Protein change: p.Met38Leu; replaces methionine 38 with leucine.
Molecular consequence: missense variant. On other transcripts: 5 prime UTR variant (2).
Genome position (GRCh38, 1-based): chr16:88,856,766, T>A on the plus strand (A>T on the coding strand, the complement: GALNS is on the minus strand). VCF-style: chr16-88856766-T-A. GRCh37 (hg19) VCF-style: chr16-88923174-T-A.
Other names: c.-320A>T (NM_001323543.2); c.-41A>T (NM_001323544.2); short protein forms M38L.
Identifiers: ClinVar variation 4883173 (VCV004883173.2).

ClinVar aggregate classification (germline): Uncertain significance (1 of 4 stars; one submission).

gnomAD v4.1: 2 of 1,467,026 alleles (0.00014%); highest among the groups gnomAD compares: Admixed American, 0.002%; no homozygotes.

Submission:

Dasa
Classification: Uncertain significance. Last evaluated: 2025-08-20. Review status: criteria provided, single submitter. Criteria: DASA Assertion Criteria. Collection method: clinical testing. Allele origin: germline.
Comment: NM_000512.5(GALNS):c.112A>T (p.Met38Leu) is a missense variant that results in the substitution of methionine with leucine. The affected residue or protein region has prior evidence supporting clinical relevance. This variant is rare in population databases. Computational prediction algorithms are consistent with a deleterious effect. The currently available literature and clinical evidence are not sufficient to establish a definitive association between this variant and the reported condition. Therefore, this variant is classified as a variant of uncertain significance.